The following is an entry in ClinVar:

NM_032551.5(KISS1R):c.370-5_370-4insACCG

Gene: KISS1R (KISS1 receptor; plus strand). Cytogenetic location: 19p13.3.
Variant type: Insertion.
Coding change: c.370-5_370-4insACCG on transcript NM_032551.5 (MANE Select); 5 bases into the intron before coding-DNA position 370 through 4 bases into the intron before coding-DNA position 370, ACCG inserted.
Molecular consequence: intron variant.
Genome position: GRCh38 VCF-style: chr19-919485-C-CACCG. GRCh37 (hg19) VCF-style: chr19-919485-C-CACCG.
Identifiers: ClinVar variation 4778105 (VCV004778105.1).
Genomic context (GRCh38, chr19:919,485, plus strand): 5'-GCGGGCGGACAGGGCAGGCTCCCAACCGCGCAGGTGGCCACACGCCCGGCTGGCGGCTCC[C>CACCG]GCAGGTCTCGGTGCAGGCCACGTGTGCCACTCTGACCGCCATGAGTGTGGACCGCTGGTA-3'

ClinVar aggregate classification (germline): Uncertain significance (1 of 4 stars; one submission).

Submission:

Labcorp Genetics (formerly Invitae), Labcorp
Classification: Uncertain significance. Last evaluated: 2025-10-21. Review status: criteria provided, single submitter. Criteria: Invitae Variant Classification Sherloc (09022015). Collection method: clinical testing. Allele origin: germline.
Comment: This sequence change falls in intron 2 of the KISS1R gene. It does not directly change the encoded amino acid sequence of the KISS1R protein. This variant is not present in population databases (gnomAD no frequency). This variant has not been reported in the literature in individuals affected with KISS1R-related conditions. Algorithms developed to predict the effect of sequence changes on RNA splicing suggest that this variant may disrupt the consensus splice site. In summary, the available evidence is currently insufficient to determine the role of this variant in disease. Therefore, it has been classified as a Variant of Uncertain Significance.